The following is an entry in ClinVar:

NM_001127222.2(CACNA1A):c.274A>C (p.Lys92Gln)

Gene: CACNA1A (calcium voltage-gated channel subunit alpha1 A; minus strand). Cytogenetic location: 19p13.13.
Variant type: single nucleotide variant.
Coding change: c.274A>C on transcript NM_001127222.2 (MANE Select); coding-DNA position 274, A replaced by C.
Protein change: p.Lys92Gln; replaces lysine 92 with glutamine.
Molecular consequence: missense variant.
Genome position (GRCh38, 1-based): chr19:13,505,951, T>G on the plus strand (A>C on the coding strand, the complement: CACNA1A is on the minus strand). VCF-style: chr19-13505951-T-G. GRCh37 (hg19) VCF-style: chr19-13616765-T-G.
Other names: c.274A>C, p.Lys92Gln (NM_000068.4, NM_001127221.2, NM_001174080.2 and 1 more transcripts); short protein forms K92Q.
Identifiers: ClinVar variation 3774077 (VCV003774077.1).

ClinVar aggregate classification (germline): Uncertain significance (1 of 4 stars; one submission).

Submission:

GeneDx
Classification: Uncertain significance. Last evaluated: 2024-09-19. Review status: criteria provided, single submitter. Criteria: GeneDx Variant Classification Process June 2021. Collection method: clinical testing. Allele origin: germline. Affected: yes.
Comment: Not observed at significant frequency in large population cohorts (gnomAD); In silico analysis supports that this missense variant has a deleterious effect on protein structure/function; Has not been previously published as pathogenic or benign to our knowledge